The following is an entry in ClinVar:

ClinVar aggregate classification (germline): Likely benign (1 of 4 stars; one submission).

Allele frequency attached by ClinVar (database versions not stated): gnomAD exomes 0.00001.
gnomAD v4.1: 21 of 1,613,274 alleles (0.0013%); highest among the groups gnomAD compares: East Asian, 0.0022%; no homozygotes.

Submission:

CeGaT Center for Human Genetics Tuebingen
Classification: Likely benign. Last evaluated: 2022-04-01. Review status: criteria provided, single submitter. Criteria: CeGaT Center For Human Genetics Tuebingen Variant Classification Criteria Version 2. Collection method: clinical testing. Allele origin: germline. Affected: yes. Observed: 1 variant allele.
Comment: MYT1L: BP4, BP7

NM_001303052.2(MYT1L):c.3285G>A (p.Thr1095=)

Gene: MYT1L (myelin transcription factor 1 like; minus strand). Cytogenetic location: 2p25.3.
Variant type: single nucleotide variant.
Coding change: c.3285G>A on transcript NM_001303052.2 (MANE Select); coding-DNA position 3285, G replaced by A.
Protein change: p.Thr1095=; no amino-acid change (threonine 1095 retained).
Molecular consequence: synonymous variant.
Genome position (GRCh38, 1-based): chr2:1,792,456, C>T on the plus strand (G>A on the coding strand, the complement: MYT1L is on the minus strand). VCF-style: chr2-1792456-C-T. GRCh37 (hg19) VCF-style: chr2-1796228-C-T.
Other names: c.3285G>A, p.Thr1095= (NM_001329844.2, NM_001329845.1, NM_001329849.3 and 2 more transcripts); c.3279G>A, p.Thr1093= (NM_001329846.3, NM_001329847.2, NM_001329848.1 and 1 more transcripts).
Identifiers: ClinVar variation 2650611 (VCV002650611.24), dbSNP rs968012777, ClinGen allele CA41685246.